The following is an entry in ClinVar:

NM_001330078.2(NRXN1):c.188C>T (p.Ala63Val)

Gene: NRXN1 (neurexin 1; minus strand). Cytogenetic location: 2p16.3.
Variant type: single nucleotide variant.
Coding change: c.188C>T on transcript NM_001330078.2 (MANE Select); coding-DNA position 188, C replaced by T.
Protein change: p.Ala63Val; replaces alanine 63 with valine.
Molecular consequence: missense variant.
Genome position (GRCh38, 1-based): chr2:51,028,086, G>A on the plus strand (C>T on the coding strand, the complement: NRXN1 is on the minus strand). VCF-style: chr2-51028086-G-A. GRCh37 (hg19) VCF-style: chr2-51255224-G-A.
Other names: c.188C>T, p.Ala63Val (NM_001135659.3, NM_001330077.2, NM_001330079.2 and 15 more transcripts); short protein forms A63V.
Identifiers: ClinVar variation 1317037 (VCV001317037.6), dbSNP rs1007566859, ClinGen allele CA48054935.

ClinVar aggregate classification (germline): Uncertain significance. Review status: criteria provided, multiple submitters, no conflicts (2 of 4 stars). 3 submissions from 3 submitters: Uncertain significance (3). Last evaluated 2024-10-24.

Conditions:
Pitt-Hopkins-like syndrome 2 (PTHSL2). Identifiers: Orphanet 221150, Orphanet 600663, MedGen C3280479, MONDO:0013690, OMIM 614325.
Inborn genetic diseases. Identifiers: MedGen C0950123, MeSH D030342.

Allele frequency attached by ClinVar (database versions not stated): gnomAD exomes below 0.00001.
gnomAD v4.1: 6 of 1,586,590 alleles (0.00038%); highest among the groups gnomAD compares: East Asian, 0.0023%; no homozygotes.

Submissions (3):

Labcorp Genetics (formerly Invitae), Labcorp
Classification: Uncertain significance for Pitt-Hopkins-like syndrome 2. Last evaluated: 2024-10-24. Review status: criteria provided, single submitter. Criteria: Invitae Variant Classification Sherloc (09022015). Collection method: clinical testing. Allele origin: germline.
Comment: This sequence change replaces alanine, which is neutral and non-polar, with valine, which is neutral and non-polar, at codon 63 of the NRXN1 protein (p.Ala63Val). This variant is not present in population databases (gnomAD no frequency). This variant has not been reported in the literature in individuals affected with NRXN1-related conditions. ClinVar contains an entry for this variant (Variation ID: 1317037). An algorithm developed to predict the effect of missense changes on protein structure and function (PolyPhen-2) suggests that this variant is likely to be tolerated. In summary, the available evidence is currently insufficient to determine the role of this variant in disease. Therefore, it has been classified as a Variant of Uncertain Significance.

Ambry Genetics
Classification: Uncertain significance for Inborn genetic diseases. Last evaluated: 2022-01-05. Review status: criteria provided, single submitter. Criteria: Ambry Variant Classification Scheme 2023. Collection method: clinical testing. Allele origin: germline.

GeneDx
Classification: Uncertain significance. Last evaluated: 2020-01-02. Review status: criteria provided, single submitter. Criteria: GeneDx Variant Classification Process June 2021. Collection method: clinical testing. Allele origin: germline. Affected: yes.
Comment: Not observed in large population cohorts (Lek et al., 2016); In silico analysis, which includes protein predictors and evolutionary conservation, supports that this variant does not alter protein structure/function; Has not been previously published as pathogenic or benign to our knowledge